The following is an entry in ClinVar:

NM_001287.6(CLCN7):c.*1176C>T

Gene: CLCN7 (chloride voltage-gated channel 7; minus strand). Cytogenetic location: 16p13.3.
Variant type: single nucleotide variant.
Coding change: c.*1176C>T on transcript NM_001287.6 (MANE Select); 1176 bases downstream of the stop codon, C replaced by T.
Molecular consequence: 3 prime UTR variant.
Genome position (GRCh38, 1-based): chr16:1,445,455, G>A on the plus strand (C>T on the coding strand, the complement: CLCN7 is on the minus strand). VCF-style: chr16-1445455-G-A. GRCh37 (hg19) VCF-style: chr16-1495456-G-A.
Other names: c.*1176C>T (NM_001114331.3).
Identifiers: ClinVar variation 317918 (VCV000317918.6), dbSNP rs150325021, ClinGen allele CA10647006.

ClinVar aggregate classification (germline): Benign. Review status: criteria provided, multiple submitters, no conflicts (2 of 4 stars). 2 submissions from 2 submitters: Benign (2). Last evaluated 2018-01-12.

Conditions:
Osteopetrosis. Identifiers: Orphanet 2781, MedGen C0029454, MONDO:0017198, HP:0011002.

Allele frequency attached by ClinVar (database versions not stated): 1000 Genomes Project 0.02037; gnomAD 0.03316 and 0.03249; gnomAD exomes 0.01190; 1000 Genomes Project 30x 0.01968; TOPMed 0.03595.
gnomAD v4.1: 5,025 of 152,496 alleles (3.3%); highest among the groups gnomAD compares: Middle Eastern, 5.1%; 126 homozygotes.

Submissions (2):

Illumina Laboratory Services, Illumina
Classification: Benign for Osteopetrosis. Last evaluated: 2018-01-12. Review status: criteria provided, single submitter. Criteria: ICSL Variant Classification Criteria 13 December 2019. Collection method: clinical testing. Allele origin: germline.
Comment: This variant was observed in the ICSL laboratory as part of a predisposition screen in an ostensibly healthy population. It had not been previously curated by ICSL or reported in the Human Gene Mutation Database (HGMD: prior to June 1st, 2018), and was therefore a candidate for classification through an automated scoring system. Utilizing variant allele frequency, disease prevalence and penetrance estimates, and inheritance mode, an automated score was calculated to assess if this variant is too frequent to cause the disease. Based on the score and internal cut-off values, a variant classified as benign is not then subjected to further curation. The score for this variant resulted in a classification of benign for this disease.

Breakthrough Genomics
Classification: Benign. Review status: criteria provided, single submitter. Criteria: ACMG Guidelines, 2015. Collection method: not provided. Allele origin: germline. Inheritance: Autosomal recessive inheritance. Affected: yes.